The following is an entry in ClinVar:

NM_004100.5(EYA4):c.1688G>A (p.Ser563Asn)

Genes: TARID (TCF21 antisense RNA inducing promoter demethylation; minus strand), EYA4 (EYA transcriptional coactivator and phosphatase 4; plus strand). Cytogenetic location: 6q23.2.
Variant type: single nucleotide variant.
Coding change: c.1688G>A on transcript NM_004100.5 (MANE Select); coding-DNA position 1688, G replaced by A.
Protein change: p.Ser563Asn; replaces serine 563 with asparagine.
Molecular consequence: missense variant.
Genome position (GRCh38, 1-based): chr6:133,523,127, G>A. VCF-style: chr6-133523127-G-A. GRCh37 (hg19) VCF-style: chr6-133844265-G-A.
Other names: c.1526G>A, p.Ser509Asn (NM_001301012.2); c.1706G>A, p.Ser569Asn (NM_001301013.2); c.1619G>A, p.Ser540Asn (NM_001370458.1, NM_172103.4); c.1544G>A, p.Ser515Asn (NM_001370459.1); c.1688G>A, p.Ser563Asn (NM_172105.4); short protein forms S509N, S515N, S563N, S540N, S569N.
Identifiers: ClinVar variation 4745109 (VCV004745109.1).

ClinVar aggregate classification (germline): Uncertain significance (1 of 4 stars; one submission).

Conditions:
Dilated cardiomyopathy 1J (CMD1J). Also called: CARDIOMYOPATHY, DILATED, WITH SENSORINEURAL HEARING LOSS, AUTOSOMAL DOMINANT. Identifiers: Orphanet 217622, MedGen C1854368, MONDO:0011541, OMIM 605362.

Submission:

Labcorp Genetics (formerly Invitae), Labcorp
Classification: Uncertain significance for Dilated cardiomyopathy 1J. Last evaluated: 2025-04-24. Review status: criteria provided, single submitter. Criteria: Invitae Variant Classification Sherloc (09022015). Collection method: clinical testing. Allele origin: germline.
Comment: This sequence change replaces serine, which is neutral and polar, with asparagine, which is neutral and polar, at codon 563 of the EYA4 protein (p.Ser563Asn). This variant is not present in population databases (gnomAD no frequency). This variant has not been reported in the literature in individuals affected with EYA4-related conditions. Invitae Evidence Modeling of protein sequence and biophysical properties (such as structural, functional, and spatial information, amino acid conservation, physicochemical variation, residue mobility, and thermodynamic stability) indicates that this missense variant is not expected to disrupt EYA4 protein function with a negative predictive value of 80%. In summary, the available evidence is currently insufficient to determine the role of this variant in disease. Therefore, it has been classified as a Variant of Uncertain Significance.